The following is an entry in ClinVar:

NM_001371279.1(REEP1):c.514C>T (p.Pro172Ser)

Gene: REEP1 (receptor accessory protein 1; minus strand). Cytogenetic location: 2p11.2.
Variant type: single nucleotide variant.
Coding change: c.514C>T on transcript NM_001371279.1 (MANE Select); coding-DNA position 514, C replaced by T.
Protein change: p.Pro172Ser; replaces proline 172 with serine.
Molecular consequence: missense variant. On other transcripts: synonymous variant (1), intron variant (1).
Genome position (GRCh38, 1-based): chr2:86,232,706, G>A on the plus strand (C>T on the coding strand, the complement: REEP1 is on the minus strand). VCF-style: chr2-86232706-G-A. GRCh37 (hg19) VCF-style: chr2-86459829-G-A.
Other names: c.535C>T, p.Pro179Ser (NM_001164730.2); c.433C>T, p.Pro145Ser (NM_001164731.2); c.279C>T, p.His93= (NM_001164732.2); c.514C>T, p.Pro172Ser (NM_001410855.1, NM_001410856.1, NM_022912.3); c.418-15596C>T (NM_001371280.1); short protein forms P145S, P172S, P179S.
Identifiers: ClinVar variation 3369022 (VCV003369022.1).

ClinVar aggregate classification (germline): Uncertain significance (1 of 4 stars; one submission).

gnomAD v4.1: 4 of 1,611,250 alleles (0.00025%); highest among the groups gnomAD compares: Non-Finnish European, 0.00034%; no homozygotes.

Submission:

GeneDx
Classification: Uncertain significance. Last evaluated: 2024-02-13. Review status: criteria provided, single submitter. Criteria: GeneDx Variant Classification Process June 2021. Collection method: clinical testing. Allele origin: germline. Affected: yes.
Comment: Not observed at significant frequency in large population cohorts (gnomAD); In silico analysis supports that this missense variant does not alter protein structure/function; Has not been previously published as pathogenic or benign to our knowledge